The following is an entry in ClinVar:

NM_001374736.1(DST):c.3770A>G (p.Gln1257Arg)

Gene: DST (dystonin; minus strand). Cytogenetic location: 6p12.1.
Variant type: single nucleotide variant.
Coding change: c.3770A>G on transcript NM_001374736.1 (MANE Select); coding-DNA position 3770, A replaced by G.
Protein change: p.Gln1257Arg; replaces glutamine 1257 with arginine.
Molecular consequence: missense variant.
Genome position (GRCh38, 1-based): chr6:56,632,889, T>C on the plus strand (A>G on the coding strand, the complement: DST is on the minus strand). VCF-style: chr6-56632889-T-C. GRCh37 (hg19) VCF-style: chr6-56497687-T-C.
Other names: c.3671A>G, p.Gln1224Arg (NM_001144769.5); c.3257A>G, p.Gln1086Arg (NM_001144770.2); c.3770A>G, p.Gln1257Arg (NM_001374722.1); c.3137A>G, p.Gln1046Arg (NM_001374729.1, NM_001374730.1, NM_001386100.1 and 1 more transcripts); c.3797A>G, p.Gln1266Arg (NM_001374734.1); c.2159A>G, p.Gln720Arg (NM_001723.7, NM_015548.5); short protein forms Q1086R, Q1257R, Q1224R, Q1046R, Q1266R, Q720R.
Identifiers: ClinVar variation 4794014 (VCV004794014.1).

ClinVar aggregate classification (germline): Uncertain significance (1 of 4 stars; one submission).

Conditions:
Hereditary sensory and autonomic neuropathy type 6. Also called: Neuropathy, hereditary sensory and autonomic, type VI; HSAN VI. Identifiers: Orphanet 314381, MedGen C3539003, MONDO:0013839, OMIM 614653.
Epidermolysis bullosa simplex 3, localized or generalized intermediate, with BP230 deficiency (EBS3). Also called: Epidermolysis bullosa simplex due to BP230 deficiency; Epidermolysis bullosa simplex, autosomal recessive 2. Identifiers: Orphanet 412181, MedGen C3809470, MONDO:0014180, OMIM 615425.

Submission:

Labcorp Genetics (formerly Invitae), Labcorp
Classification: Uncertain significance for Epidermolysis bullosa simplex 3, localized or generalized intermediate, with BP230 deficiency; Hereditary sensory and autonomic neuropathy type 6. Last evaluated: 2025-12-17. Review status: criteria provided, single submitter. Criteria: Invitae Variant Classification Sherloc (09022015). Collection method: clinical testing. Allele origin: germline.
Comment: This sequence change replaces glutamine, which is neutral and polar, with arginine, which is basic and polar, at codon 720 of the DST protein (p.Gln720Arg). This variant is not present in population databases (gnomAD no frequency). This variant has not been reported in the literature in individuals affected with DST-related conditions. An algorithm developed to predict the effect of missense changes on protein structure and function (PolyPhen-2) suggests that this variant is likely to be tolerated. In summary, the available evidence is currently insufficient to determine the role of this variant in disease. Therefore, it has been classified as a Variant of Uncertain Significance.